The following is an entry in ClinVar:

ClinVar aggregate classification (germline): Uncertain significance (0 of 4 stars; one submission).

Conditions:
JAK2-related disorder. Also called: JAK2-related condition.

Submission:

PreventionGenetics, part of Exact Sciences
Classification: Uncertain significance for JAK2-related condition. Last evaluated: 2023-11-30. Review status: no assertion criteria provided. Collection method: clinical testing. Allele origin: germline.
Comment: The JAK2 c.2015G>T variant is predicted to result in the amino acid substitution p.Gly672Val. To our knowledge, this variant has not been reported in the literature or in a large population database, indicating this variant is rare. At this time, the clinical significance of this variant is uncertain due to the absence of conclusive functional and genetic evidence.

NM_004972.4(JAK2):c.2015G>T (p.Gly672Val)

Genes: INSL6 (insulin like 6; minus strand), JAK2 (Janus kinase 2; plus strand). Cytogenetic location: 9p24.1.
Variant type: single nucleotide variant.
Coding change: c.2015G>T on transcript NM_004972.4 (MANE Select); coding-DNA position 2015, G replaced by T.
Protein change: p.Gly672Val; replaces glycine 672 with valine.
Molecular consequence: missense variant. On other transcripts: non-coding transcript variant (2).
Genome position (GRCh38, 1-based): chr9:5,078,328, G>T. VCF-style: chr9-5078328-G-T. GRCh37 (hg19) VCF-style: chr9-5078328-G-T.
Other names: c.2015G>T, p.Gly672Val (NM_001322194.2, NM_001322195.2, NM_001322196.2); c.800G>T, p.Gly267Val (NM_001322198.2, NM_001322199.2); c.1568G>T, p.Gly523Val (NM_001322204.2); short protein forms G267V, G523V, G672V.
Identifiers: ClinVar variation 3035672 (VCV003035672.2), dbSNP rs1819452964, ClinGen allele CA372827083.